The following is an entry in ClinVar:

NM_001792.5(CDH2):c.2594C>G (p.Ser865Cys)

Genes: CDH2 (cadherin 2; minus strand), CDH2-AS1 (CDH2 antisense RNA 1; plus strand). Cytogenetic location: 18q12.1.
Variant type: single nucleotide variant.
Coding change: c.2594C>G on transcript NM_001792.5 (MANE Select); coding-DNA position 2594, C replaced by G.
Protein change: p.Ser865Cys; replaces serine 865 with cysteine.
Molecular consequence: missense variant.
Genome position (GRCh38, 1-based): chr18:27,952,280, G>C on the plus strand (C>G on the coding strand, the complement: CDH2 is on the minus strand). VCF-style: chr18-27952280-G-C. GRCh37 (hg19) VCF-style: chr18-25532244-G-C.
Other names: c.2501C>G, p.Ser834Cys (NM_001308176.2); short protein forms S834C, S865C.
Identifiers: ClinVar variation 2862142 (VCV002862142.3), dbSNP rs1909498684, ClinGen allele CA402101341.

ClinVar aggregate classification (germline): Uncertain significance (1 of 4 stars; one submission).

Allele frequency attached by ClinVar (database versions not stated): TOPMed below 0.00001.

Submission:

Labcorp Genetics (formerly Invitae), Labcorp
Classification: Uncertain significance. Last evaluated: 2023-11-29. Review status: criteria provided, single submitter. Criteria: Invitae Variant Classification Sherloc (09022015). Collection method: clinical testing. Allele origin: germline.
Comment: This sequence change replaces serine, which is neutral and polar, with cysteine, which is neutral and slightly polar, at codon 865 of the CDH2 protein (p.Ser865Cys). This variant is not present in population databases (gnomAD no frequency). This variant has not been reported in the literature in individuals affected with CDH2-related conditions. An algorithm developed to predict the effect of missense changes on protein structure and function (PolyPhen-2) suggests that this variant is likely to be disruptive. In summary, the available evidence is currently insufficient to determine the role of this variant in disease. Therefore, it has been classified as a Variant of Uncertain Significance.